The following is an entry in ClinVar:

NM_001136472.2(LITAF):c.209A>G (p.Asn70Ser)

Gene: LITAF (lipopolysaccharide induced TNF factor; minus strand). Cytogenetic location: 16p13.13.
Variant type: single nucleotide variant.
Coding change: c.209A>G on transcript NM_001136472.2 (MANE Select); coding-DNA position 209, A replaced by G.
Protein change: p.Asn70Ser; replaces asparagine 70 with serine.
Molecular consequence: missense variant. On other transcripts: non-coding transcript variant (1).
Genome position (GRCh38, 1-based): chr16:11,556,522, T>C on the plus strand (A>G on the coding strand, the complement: LITAF is on the minus strand). VCF-style: chr16-11556522-T-C. GRCh37 (hg19) VCF-style: chr16-11650378-T-C.
Other names: c.209A>G, p.Asn70Ser (NM_001136473.1, NM_004862.4); short protein forms N70S.
Identifiers: ClinVar variation 451222 (VCV000451222.11), dbSNP rs746577483, ClinGen allele CA7904160.

ClinVar aggregate classification (germline): Uncertain significance. Review status: criteria provided, multiple submitters, no conflicts (2 of 4 stars). 2 submissions from 2 submitters: Uncertain significance (2). Last evaluated 2023-04-22.

Conditions:
Charcot-Marie-Tooth disease type 1C. Also called: CMT, SLOW NERVE CONDUCTION TYPE C; CHARCOT-MARIE-TOOTH NEUROPATHY, TYPE 1C; NEUROPATHY, HEREDITARY MOTOR AND SENSORY, TYPE IC; HMSN IC; Charcot-Marie-Tooth disease, type IC; CHARCOT-MARIE-TOOTH DISEASE, DEMYELINATING, TYPE 1C. Identifiers: Orphanet 101083, MedGen C0270913, MONDO:0010995, OMIM 601098.

Allele frequency attached by ClinVar (database versions not stated): gnomAD exomes 0.00001 and 0.00002; TOPMed 0.00002; ExAC 0.00003; gnomAD 0.00003.
gnomAD v4.1: 28 of 1,613,676 alleles (0.0017%); highest among the groups gnomAD compares: South Asian, 0.0088%; 1 homozygote.

Submissions (2):

Labcorp Genetics (formerly Invitae), Labcorp
Classification: Uncertain significance for Charcot-Marie-Tooth disease type 1C. Last evaluated: 2023-04-22. Review status: criteria provided, single submitter. Criteria: Invitae Variant Classification Sherloc (09022015). Collection method: clinical testing. Allele origin: germline.
Comment: In summary, the available evidence is currently insufficient to determine the role of this variant in disease. Therefore, it has been classified as a Variant of Uncertain Significance. An algorithm developed to predict the effect of missense changes on protein structure and function (PolyPhen-2) suggests that this variant is likely to be tolerated. ClinVar contains an entry for this variant (Variation ID: 451222). This variant has not been reported in the literature in individuals affected with LITAF-related conditions. This variant is present in population databases (rs746577483, gnomAD 0.008%). This sequence change replaces asparagine, which is neutral and polar, with serine, which is neutral and polar, at codon 70 of the LITAF protein (p.Asn70Ser).

GeneDx
Classification: Uncertain significance. Last evaluated: 2017-08-09. Review status: criteria provided, single submitter. Criteria: GeneDx Variant Classification (06012015). Collection method: clinical testing. Allele origin: germline. Affected: yes.
Comment: A variant of uncertain significance has been identified in the LITAF gene. The N70S variant has not been published as a pathogenic variant, nor has it been reported as a benign variant to our knowledge. The N70S variant is observed in 1/8430 (0.01%) alleles from individuals of East Asian background (Lek et al., 2016; 1000 Genomes Consortium et al., 2015; Exome Variant Server). The N70S variant is a conservative amino acid substitution, which is not likely to impact secondary protein structure as these residues share similar properties. However, this substitution occurs at a position that is conserved in mammals. In silico analysis is inconsistent in its predictions as to whether or not the variant is damaging to the protein structure/function. Therefore, based on the currently available information, it is unclear whether this variant is a pathogenic variant or a rare benign variant.